The following is an entry in ClinVar:

NM_001395159.1(UNC79):c.7400C>G (p.Pro2467Arg)

Gene: UNC79 (unc-79 homolog, NALCN channel complex subunit; plus strand). Cytogenetic location: 14q32.12.
Variant type: single nucleotide variant.
Coding change: c.7400C>G on transcript NM_001395159.1 (MANE Select); coding-DNA position 7400, C replaced by G.
Protein change: p.Pro2467Arg; replaces proline 2467 with arginine.
Molecular consequence: missense variant.
Genome position (GRCh38, 1-based): chr14:93,688,822, C>G. VCF-style: chr14-93688822-C-G. GRCh37 (hg19) VCF-style: chr14-94155168-C-G.
Other names: c.7334C>G, p.Pro2445Arg (NM_001346218.2); c.6653C>G, p.Pro2218Arg (NM_020818.5); short protein forms P2445R, P2218R, P2467R.
Identifiers: ClinVar variation 3813621 (VCV003813621.2).

ClinVar aggregate classification (germline): Uncertain significance. Review status: criteria provided, multiple submitters, no conflicts (2 of 4 stars). 2 submissions from 2 submitters: Uncertain significance (2). Last evaluated 2025-02-12.

Conditions:
Inborn genetic diseases. Identifiers: MedGen C0950123, MeSH D030342.

gnomAD v4.1: 1 of 1,613,832 alleles (0.000062%); highest among the groups gnomAD compares: Non-Finnish European, 0.000085%; no homozygotes.

Submissions (2):

Ambry Genetics
Classification: Uncertain significance for Inborn genetic diseases. Last evaluated: 2025-02-12. Review status: criteria provided, single submitter. Criteria: Ambry Variant Classification Scheme 2023. Collection method: clinical testing. Allele origin: germline.

GeneDx
Classification: Uncertain significance. Last evaluated: 2024-11-08. Review status: criteria provided, single submitter. Criteria: GeneDx Variant Classification Process June 2021. Collection method: clinical testing. Allele origin: germline. Affected: yes.
Comment: Not observed at significant frequency in large population cohorts (gnomAD); In silico analysis supports that this missense variant has a deleterious effect on protein structure/function; Has not been previously published as pathogenic or benign to our knowledge